The following is an entry in ClinVar:

ClinVar aggregate classification (germline): Uncertain significance (1 of 4 stars; one submission).

Conditions:
Myofibrillar myopathy 5. Also called: Filaminopathy (type); FILAMINOPATHY, AUTOSOMAL DOMINANT. Identifiers: Orphanet 171445, MedGen C1836050, MONDO:0012289, OMIM 609524.
Distal myopathy with posterior leg and anterior hand involvement. Also called: WILLIAMS DISTAL MYOPATHY. Identifiers: Orphanet 63273, MedGen C3279722, MONDO:0013550, OMIM 614065.
Hypertrophic cardiomyopathy 26. Also called: Cardiomyopathy, familial hypertrophic, 26. Identifiers: Orphanet 75249, MedGen C4310749, MONDO:0014883, OMIM 617047.

Allele frequency attached by ClinVar (database versions not stated): gnomAD exomes below 0.00001.
gnomAD v4.1: 2 of 1,613,802 alleles (0.00012%); highest among the groups gnomAD compares: Non-Finnish European, 0.00017%; no homozygotes.

Submission:

Labcorp Genetics (formerly Invitae), Labcorp
Classification: Uncertain significance for Distal myopathy with posterior leg and anterior hand involvement; Myofibrillar myopathy 5; Hypertrophic cardiomyopathy 26. Last evaluated: 2025-01-08. Review status: criteria provided, single submitter. Criteria: Invitae Variant Classification Sherloc (09022015). Collection method: clinical testing. Allele origin: germline.
Comment: This sequence change replaces isoleucine, which is neutral and non-polar, with valine, which is neutral and non-polar, at codon 736 of the FLNC protein (p.Ile736Val). This variant is not present in population databases (gnomAD no frequency). This variant has not been reported in the literature in individuals affected with FLNC-related conditions. ClinVar contains an entry for this variant (Variation ID: 1381229). Invitae Evidence Modeling of protein sequence and biophysical properties (such as structural, functional, and spatial information, amino acid conservation, physicochemical variation, residue mobility, and thermodynamic stability) has been performed for this missense variant. However, the output from this modeling did not meet the statistical confidence thresholds required to predict the impact of this variant on FLNC protein function. In summary, the available evidence is currently insufficient to determine the role of this variant in disease. Therefore, it has been classified as a Variant of Uncertain Significance.

NM_001458.5(FLNC):c.2206A>G (p.Ile736Val)

Gene: FLNC (filamin C; plus strand). Cytogenetic location: 7q32.1.
Variant type: single nucleotide variant.
Coding change: c.2206A>G on transcript NM_001458.5 (MANE Select); coding-DNA position 2206, A replaced by G.
Protein change: p.Ile736Val; replaces isoleucine 736 with valine.
Molecular consequence: missense variant.
Genome position (GRCh38, 1-based): chr7:128,842,315, A>G. VCF-style: chr7-128842315-A-G. GRCh37 (hg19) VCF-style: chr7-128482369-A-G.
Other names: c.2206A>G, p.Ile736Val (NM_001127487.2); short protein forms I736V.
Identifiers: ClinVar variation 1381229 (VCV001381229.8), dbSNP rs2128935565, ClinGen allele CA369229194.